The following is an entry in ClinVar:

NM_139057.4(ADAMTS17):c.1939C>A (p.Leu647Met)

Gene: ADAMTS17 (ADAM metallopeptidase with thrombospondin type 1 motif 17; minus strand). Cytogenetic location: 15q26.3.
Variant type: single nucleotide variant.
Coding change: c.1939C>A on transcript NM_139057.4 (MANE Select); coding-DNA position 1939, C replaced by A.
Protein change: p.Leu647Met; replaces leucine 647 with methionine.
Molecular consequence: missense variant.
Genome position (GRCh38, 1-based): chr15:100,109,066, G>T on the plus strand (C>A on the coding strand, the complement: ADAMTS17 is on the minus strand). VCF-style: chr15-100109066-G-T. GRCh37 (hg19) VCF-style: chr15-100649271-G-T.
Other names: short protein forms L647M.
Identifiers: ClinVar variation 2971058 (VCV002971058.3), dbSNP rs1236872733, ClinGen allele CA393694858.

ClinVar aggregate classification (germline): Uncertain significance (1 of 4 stars; one submission).

Allele frequency attached by ClinVar (database versions not stated): TOPMed below 0.00001; gnomAD 0.00001.
gnomAD v4.1: 4 of 1,613,916 alleles (0.00025%); highest among the groups gnomAD compares: Non-Finnish European, 0.00034%; no homozygotes.

Submission:

Labcorp Genetics (formerly Invitae), Labcorp
Classification: Uncertain significance. Last evaluated: 2023-02-25. Review status: criteria provided, single submitter. Criteria: Invitae Variant Classification Sherloc (09022015). Collection method: clinical testing. Allele origin: germline.
Comment: This sequence change replaces leucine, which is neutral and non-polar, with methionine, which is neutral and non-polar, at codon 647 of the ADAMTS17 protein (p.Leu647Met). This variant is not present in population databases (gnomAD no frequency). This variant has not been reported in the literature in individuals affected with ADAMTS17-related conditions. An algorithm developed to predict the effect of missense changes on protein structure and function (PolyPhen-2) suggests that this variant is likely to be disruptive. In summary, the available evidence is currently insufficient to determine the role of this variant in disease. Therefore, it has been classified as a Variant of Uncertain Significance.